The following is an entry in ClinVar:

NM_198253.3(TERT):c.329del (p.Gly110fs)

Gene: TERT (telomerase reverse transcriptase; minus strand). Cytogenetic location: 5p15.33.
Variant type: Deletion.
Coding change: c.329del on transcript NM_198253.3 (MANE Select); coding-DNA position 329, one base deleted (G; older notation c.329delG).
Protein change: p.Gly110fs; shifts the reading frame from glycine 110.
Molecular consequence: frameshift variant. On other transcripts: non-coding transcript variant (2).
Genome position (GRCh38, 1-based): chr5:1,294,557, C deleted on the plus strand (G on the coding strand, the reverse complement: TERT is on the minus strand); the first of 5 consecutive C bases (chr5:1,294,557-1,294,561); deleting any one gives the same sequence. VCF-style (leftmost placement, unchanged base first): chr5-1294556-GC-G. GRCh37 (hg19) VCF-style: chr5-1294671-GC-G.
Other names: c.329del, p.Gly110fs (NM_001193376.3); short protein forms G110fs.
Identifiers: ClinVar variation 1459137 (VCV001459137.6), dbSNP rs1554043093, ClinGen allele CA359058278.

ClinVar aggregate classification (germline): Pathogenic (1 of 4 stars; one submission).

Conditions:
Idiopathic Pulmonary Fibrosis. Also called: Idiopathic fibrosing alveolitis, chronic form; idiopathic fibrosing alveolitis. Identifiers: Orphanet 2032, MedGen C1800706, MeSH D054990, MONDO:0800504.
Dyskeratosis congenita, autosomal dominant 2. Identifiers: MedGen C3151443, MONDO:0013521, OMIM 613989.

Submission:

Labcorp Genetics (formerly Invitae), Labcorp
Classification: Pathogenic for Dyskeratosis congenita, autosomal dominant 2; Idiopathic Pulmonary Fibrosis. Last evaluated: 2021-08-17. Review status: criteria provided, single submitter. Criteria: Invitae Variant Classification Sherloc (09022015). Collection method: clinical testing. Allele origin: germline.
Comment: This variant is not present in population databases (ExAC no frequency). This variant has not been reported in the literature in individuals affected with TERT-related conditions. For these reasons, this variant has been classified as Pathogenic. This sequence change creates a premature translational stop signal (p.Gly110Alafs*18) in the TERT gene. It is expected to result in an absent or disrupted protein product. Loss-of-function variants in TERT are known to be pathogenic (PMID: 16247010, 17460043).

Literature cited by the submitters: PubMed 16247010; PubMed 17460043.